The following is an entry in ClinVar:

NM_198576.4(AGRN):c.4131C>G (p.Phe1377Leu)

Gene: AGRN (agrin; plus strand). Cytogenetic location: 1p36.33.
Variant type: single nucleotide variant.
Coding change: c.4131C>G on transcript NM_198576.4 (MANE Select); coding-DNA position 4131, C replaced by G.
Protein change: p.Phe1377Leu; replaces phenylalanine 1377 with leucine.
Molecular consequence: missense variant.
Genome position (GRCh38, 1-based): chr1:1,048,892, C>G. VCF-style: chr1-1048892-C-G. GRCh37 (hg19) VCF-style: chr1-984272-C-G.
Other names: c.4131C>G, p.Phe1377Leu (NM_001305275.2); c.3816C>G, p.Phe1272Leu (NM_001364727.2); short protein forms F1272L, F1377L.
Identifiers: ClinVar variation 1014346 (VCV001014346.8), dbSNP rs368555478, ClinGen allele CA509332.

ClinVar aggregate classification (germline): Uncertain significance (1 of 4 stars; one submission).

Conditions:
Congenital myasthenic syndrome 8. Also called: Myasthenic syndrome, congenital, 8, with pre- and postsynaptic defects; MYASTHENIC SYNDROME, CONGENITAL, DUE TO AGRIN DEFICIENCY. Identifiers: Orphanet 590, MedGen C3808739, MONDO:0014052, OMIM 615120.

Allele frequency attached by ClinVar (database versions not stated): TOPMed 0.00002.
gnomAD v4.1: 26 of 1,545,330 alleles (0.0017%); highest among the groups gnomAD compares: South Asian, 0.0095%; no homozygotes.

Submission:

Labcorp Genetics (formerly Invitae), Labcorp
Classification: Uncertain significance for Congenital myasthenic syndrome 8. Last evaluated: 2025-07-03. Review status: criteria provided, single submitter. Criteria: Invitae Variant Classification Sherloc (09022015). Collection method: clinical testing. Allele origin: germline.
Comment: This sequence change replaces phenylalanine, which is neutral and non-polar, with leucine, which is neutral and non-polar, at codon 1377 of the AGRN protein (p.Phe1377Leu). This variant is present in population databases (rs368555478, gnomAD 0.01%). This variant has not been reported in the literature in individuals affected with AGRN-related conditions. ClinVar contains an entry for this variant (Variation ID: 1014346). An algorithm developed to predict the effect of missense changes on protein structure and function (PolyPhen-2) suggests that this variant is likely to be disruptive. In summary, the available evidence is currently insufficient to determine the role of this variant in disease. Therefore, it has been classified as a Variant of Uncertain Significance.